The following is an entry in ClinVar:

ClinVar aggregate classification (germline): Likely pathogenic. Review status: criteria provided, single submitter (1 of 4 stars). 2 submissions from 2 submitters: Likely pathogenic (1). 1 of the submissions does not count toward it. Last evaluated 2022-12-06.

Conditions:
Global developmental delay (DD). Also called: Cognitive delay. Identifiers: MedGen C0557874, HP:0001263. Disease mechanism: loss of function.
Intellectual disability. Also called: Intellectual functioning disability; intellectual disabilities; Intellectual developmental disorder. Identifiers: MedGen C3714756, MeSH D008607, MONDO:0001071, HP:0001249.
Delayed speech and language development. Also called: Language delay. Identifiers: MedGen C0454644, HP:0000750.
Neurodevelopmental disorder with language delay and variable cognitive abnormalities (NEDLC). Identifiers: MedGen C5882689, MONDO:0957779, OMIM 620502.

Submissions (2):

Institute of Human Genetics, University of Leipzig Medical Center
Classification: Likely pathogenic for Delayed speech and language development; Intellectual disability; Global developmental delay. Last evaluated: 2022-12-06. Review status: criteria provided, single submitter. Criteria: ACMG Guidelines, 2015. Collection method: research. Allele origin: de novo. Affected: yes.
Comment: This variant was identified as de novo (maternity and paternity confirmed).

OMIM
Classification: Pathogenic for NEURODEVELOPMENTAL DISORDER WITH LANGUAGE DELAY AND VARIABLE COGNITIVE ABNORMALITIES. Last evaluated: 2023-09-11. Review status: no assertion criteria provided. Collection method: literature only. Allele origin: germline. Not counted in ClinVar's aggregate classification.

Literature cited by the submitters: PubMed 36103875 (cited by Institute of Human Genetics, University of Leipzig Medical Center); Cediel, M. L., Stawarski, M., Blanc, X., Noskova, L., Magner, M., Platzer, K., Gburek-Augustat, J., Baldridge, D., Constantino, J. N., Ranza, E., Bettler, B., Antonarakis, S. E. GABBR1 monoallelic de novo variants linked to neurodevelopmental delay and epilepsy. Am. J. Hum. Genet. 109: 1885-1893, 2022. (cited by OMIM).

NM_001470.4(GABBR1):c.1603G>A (p.Ala535Thr)

Gene: GABBR1 (gamma-aminobutyric acid type B receptor subunit 1; minus strand). Cytogenetic location: 6p22.1.
Variant type: single nucleotide variant.
Coding change: c.1603G>A on transcript NM_001470.4 (MANE Select); coding-DNA position 1603, G replaced by A.
Protein change: p.Ala535Thr; replaces alanine 535 with threonine.
Molecular consequence: missense variant.
Genome position (GRCh38, 1-based): chr6:29,612,578, C>T on the plus strand (G>A on the coding strand, the complement: GABBR1 is on the minus strand). VCF-style: chr6-29612578-C-T. GRCh37 (hg19) VCF-style: chr6-29580355-C-T.
Other names: c.1072G>A, p.Ala358Thr (NM_001319053.2); c.1252G>A, p.Ala418Thr (NM_021903.3); c.1417G>A, p.Ala473Thr (NM_021904.4); short protein forms A358T, A418T, A473T, A535T.
Identifiers: ClinVar variation 1804152 (VCV001804152.1), dbSNP rs2482987023, ClinGen allele CA363033520.